The following is an entry in ClinVar:

ClinVar aggregate classification (germline): Uncertain significance (1 of 4 stars; one submission).

Submission:

GeneDx
Classification: Uncertain significance. Last evaluated: 2022-09-30. Review status: criteria provided, single submitter. Criteria: GeneDx Variant Classification Process June 2021. Collection method: clinical testing. Allele origin: germline. Affected: yes.
Comment: Not observed at significant frequency in large population cohorts (gnomAD); Canonical splice site variant in a gene or region of a gene for which loss of function is not a well-established mechanism of disease; Has not been previously published as pathogenic or benign to our knowledge; Variants in candidate genes are classified as variants of uncertain significance in accordance with ACMG guidelines (Richards et al., 2015)

NM_015057.5(MYCBP2):c.748+2_748+3del

Gene: MYCBP2 (MYC binding protein 2; minus strand). Cytogenetic location: 13q22.3.
Variant type: Deletion.
Coding change: c.748+2_748+3del on transcript NM_015057.5 (MANE Select); the canonical splice donor site of the intron after coding-DNA position 748 through 3 bases into the intron after coding-DNA position 748, 2 bases deleted (TA; older notation c.748+2_748+3delTA).
Molecular consequence: splice donor variant.
Genome position (GRCh38, 1-based): chr13:77,278,755-77,278,756, TA deleted on the plus strand (TA on the coding strand, the reverse complement: MYCBP2 is on the minus strand). VCF-style (leftmost placement, unchanged base first): chr13-77278754-TTA-T. GRCh37 (hg19) VCF-style: chr13-77852889-TTA-T.
Identifiers: ClinVar variation 2446674 (VCV002446674.1), dbSNP rs2549627072, ClinGen allele CA2580087749.
Genomic context (GRCh38, chr13:77,278,754, plus strand): 5'-ACAATACTCTATTATTAATTATATTCACTTTTAAATGCTTCACTGAATGAGCCTTGGCTC[TTA>T]CCTAGGACCTCAGGTGGCTCAGACTGGAGGCCTTCTGGCTGCTGGCCCTGCAGCACGTTG-3'